The following is an entry in ClinVar:

NM_003970.4(MYOM2):c.3996A>G (p.Gln1332=)

Gene: MYOM2 (myomesin 2; plus strand). Cytogenetic location: 8p23.3.
Variant type: single nucleotide variant.
Coding change: c.3996A>G on transcript NM_003970.4 (MANE Select); coding-DNA position 3996, A replaced by G.
Protein change: p.Gln1332=; no amino-acid change (glutamine 1332 retained).
Molecular consequence: synonymous variant.
Genome position (GRCh38, 1-based): chr8:2,141,172, A>G. VCF-style: chr8-2141172-A-G. GRCh37 (hg19) VCF-style: chr8-2089095-A-G.
Identifiers: ClinVar variation 3039564 (VCV003039564.2), dbSNP rs35583392, ClinGen allele CA170466523.

ClinVar aggregate classification (germline): Benign (0 of 4 stars; one submission).

Conditions:
MYOM2-related disorder. Also called: MYOM2-related condition.

Allele frequency attached by ClinVar (database versions not stated): 1000 Genomes Project 30x 0.00062; 1000 Genomes Project 0.00080; ESP Exome Variant Server 0.00108; gnomAD exomes 0.00118; gnomAD 0.00125; ExAC 0.00133; TOPMed 0.00145.
gnomAD v4.1: 2,003 of 1,612,252 alleles (0.12%); highest among the groups gnomAD compares: Middle Eastern, 1.6%; 11 homozygotes.

Submission:

PreventionGenetics, part of Exact Sciences
Classification: Benign for MYOM2-related condition. Last evaluated: 2019-08-14. Review status: no assertion criteria provided. Collection method: clinical testing. Allele origin: germline.
Comment: This variant is classified as benign based on ACMG/AMP sequence variant interpretation guidelines (Richards et al. 2015 PMID: 25741868, with internal and published modifications).